The following is an entry in ClinVar:

ClinVar aggregate classification (germline): Uncertain significance. Review status: criteria provided, multiple submitters, no conflicts (2 of 4 stars). 4 submissions from 4 submitters: Uncertain significance (4). Last evaluated 2026-05-01.

Conditions:
TTN-related disorder. Also called: TTN-related condition; TTN-related disease; TTN-related disorders.

Allele frequency attached by ClinVar (database versions not stated): gnomAD exomes 0.00001 and 0.00003; ExAC 0.00004; TOPMed 0.00010; gnomAD 0.00013 and 0.00015; ESP Exome Variant Server 0.00017.
gnomAD v4.1: 35 of 1,584,494 alleles (0.0022%); highest among the groups gnomAD compares: African/African-American, 0.034%; 1 homozygote.

Submissions (4):

Women's Health and Genetics/Laboratory Corporation of America, LabCorp
Classification: Uncertain significance. Last evaluated: 2026-05-01. Review status: criteria provided, single submitter. Criteria: LabCorp Variant Classification Summary - May 2015. Collection method: clinical testing. Allele origin: germline.

PreventionGenetics, part of Exact Sciences
Classification: Uncertain significance for TTN-related condition. Last evaluated: 2025-11-04. Review status: criteria provided, single submitter. Criteria: ACMG Guidelines, 2015. Collection method: clinical testing. Allele origin: germline.
Comment: The TTN c.100267A>G variant is predicted to result in the amino acid substitution p.Lys33423Glu. To our knowledge, this variant has not been reported in the literature. This variant is reported in 0.042% of alleles in individuals of African descent in gnomAD. At this time, the clinical significance of this variant is uncertain due to the absence of conclusive functional and genetic evidence.

Revvity Omics, Revvity
Classification: Uncertain significance. Last evaluated: 2020-08-05. Review status: criteria provided, single submitter. Criteria: ACMG Guidelines, 2015. Collection method: clinical testing. Allele origin: germline.

GeneDx
Classification: Uncertain significance. Last evaluated: 2013-08-12. Review status: criteria provided, single submitter. Criteria: GeneDx Variant Classification (06012015). Collection method: clinical testing. Allele origin: germline. Affected: yes.
Comment: Missense variants in the TTN gene are considered 'unclassified' if they are not previously reported in the literature and do not have >1% frequency in the population to be considered a polymorphism. Research indicates that truncating mutations in the TTN gene are expected to account for approximately 25% of familial and 18% of sporadic idiopathic DCM; however, truncating variants in the TTN gene have been reported in approximately 3% of reported control alleles. There has been little investigation into non-truncating variants. (Herman D et al. Truncations of titin causing dilated cardiomyopathy. N Eng J Med 366:619-628, 2012) The variant is found in DCM panel(s).

NM_001267550.2(TTN):c.100267A>G (p.Lys33423Glu)

Genes: TTN (titin; minus strand), TTN-AS1 (TTN antisense RNA 1; plus strand), LOC126806420 (BRD4-independent group 4 enhancer GRCh37_chr2:179401104-179402303; plus strand). Cytogenetic location: 2q31.2.
Variant type: single nucleotide variant.
Coding change: c.100267A>G on transcript NM_001267550.2 (MANE Select); coding-DNA position 100267, A replaced by G.
Protein change: p.Lys33423Glu; replaces lysine 33423 with glutamic acid.
Molecular consequence: missense variant.
Genome position (GRCh38, 1-based): chr2:178,536,480, T>C on the plus strand (A>G on the coding strand, the complement: TTN is on the minus strand). VCF-style: chr2-178536480-T-C. GRCh37 (hg19) VCF-style: chr2-179401207-T-C.
Other names: p.K31782E:AAG>GAG; c.95344A>G, p.Lys31782Glu (NM_001256850.1); c.73072A>G, p.Lys24358Glu (NM_003319.4); c.92563A>G, p.Lys30855Glu (NM_133378.4); c.73447A>G, p.Lys24483Glu (NM_133432.3); c.73648A>G, p.Lys24550Glu (NM_133437.4); short protein forms K31782E, K33423E, K24358E, K24483E, K24550E, K30855E.
Identifiers: ClinVar variation 203053 (VCV000203053.7), dbSNP rs376528148, ClinGen allele CA311097.
Genomic context (GRCh38, chr2:178,536,480, plus strand): 5'-TCACAGAAATCCATTTATTCTGCTTCTTCTCACGCTTCTCAAGGTAGTAATTTCTAATCT[T>C]TGCACCTCCATCACTGGCAGGTGGCTTCCAGGCCACAACACAAGAATCTTTTGTGACAGC-3'
Protein context (NP_001254479.2, residues 33413-33433): WKPPASDGGA[Lys33423Glu]IRNYYLEKRE